The following is an entry in ClinVar:

NM_004370.6(COL12A1):c.4418-9T>C

Gene: COL12A1 (collagen type XII alpha 1 chain; minus strand). Cytogenetic location: 6q13.
Variant type: single nucleotide variant.
Coding change: c.4418-9T>C on transcript NM_004370.6 (MANE Select); 9 bases into the intron before coding-DNA position 4418, T replaced by C.
Molecular consequence: intron variant.
Genome position (GRCh38, 1-based): chr6:75,146,253, A>G on the plus strand (T>C on the coding strand, the complement: COL12A1 is on the minus strand). VCF-style: chr6-75146253-A-G. GRCh37 (hg19) VCF-style: chr6-75855969-A-G.
Other names: c.926-9T>C (NM_001424116.1, NM_080645.3); c.4145-9T>C (NM_001424115.1); c.4418-9T>C (NM_001424114.1, NM_001424113.1).
Identifiers: ClinVar variation 4787412 (VCV004787412.1).

ClinVar aggregate classification (germline): Uncertain significance (1 of 4 stars; one submission).

Conditions:
Ullrich congenital muscular dystrophy 2 (UCMD2). Identifiers: Orphanet 75840, MedGen C4225314, MONDO:0014654, OMIM 616470.
Bethlem myopathy 2 (BTHLM2). Identifiers: Orphanet 536516, Orphanet 610, MedGen C4225313, MONDO:0034022, OMIM 616471.

Submission:

Labcorp Genetics (formerly Invitae), Labcorp
Classification: Uncertain significance for Bethlem myopathy 2; Ullrich congenital muscular dystrophy 2. Last evaluated: 2026-02-01. Review status: criteria provided, single submitter. Criteria: Invitae Variant Classification Sherloc (09022015). Collection method: clinical testing. Allele origin: germline.
Comment: This sequence change falls in intron 23 of the COL12A1 gene. It does not directly change the encoded amino acid sequence of the COL12A1 protein. This variant is not present in population databases (gnomAD no frequency). This variant has not been reported in the literature in individuals affected with COL12A1-related conditions. Algorithms developed to predict the effect of sequence changes on RNA splicing suggest that this variant may disrupt the consensus splice site. In summary, the available evidence is currently insufficient to determine the role of this variant in disease. Therefore, it has been classified as a Variant of Uncertain Significance.